The following is an entry in ClinVar:

ClinVar aggregate classification (germline): Pathogenic (1 of 4 stars; one submission).

Submission:

Labcorp Genetics (formerly Invitae), Labcorp
Classification: Pathogenic. Last evaluated: 2024-04-10. Review status: criteria provided, single submitter. Criteria: Invitae Variant Classification Sherloc (09022015). Collection method: clinical testing. Allele origin: germline.
Comment: This sequence change creates a premature translational stop signal (p.Pro15Alafs*24) in the DONSON gene. It is expected to result in an absent or disrupted protein product. Loss-of-function variants in DONSON are known to be pathogenic (PMID: 28191891, 28630177). This variant is not present in population databases (gnomAD no frequency). This variant has not been reported in the literature in individuals affected with DONSON-related conditions. ClinVar contains an entry for this variant (Variation ID: 1451926). For these reasons, this variant has been classified as Pathogenic.

Literature cited by the submitters: PubMed 28191891; PubMed 28630177.

NM_017613.4(DONSON):c.41dup (p.Pro15fs)

Gene: DONSON (DNA replication fork stabilization factor DONSON; minus strand). Cytogenetic location: 21q22.11.
Variant type: Duplication.
Coding change: c.41dup on transcript NM_017613.4 (MANE Select); coding-DNA position 41, one base duplicated (A; older notation c.41dupA).
Protein change: p.Pro15fs; shifts the reading frame from proline 15.
Molecular consequence: frameshift variant.
Genome position (GRCh38, 1-based): chr21:33,588,601, T duplicated on the plus strand (A on the coding strand, the reverse complement: DONSON is on the minus strand); the first of 3 consecutive T bases (chr21:33,588,601-33,588,603); duplicating any one gives the same sequence. VCF-style (leftmost placement, unchanged base first): chr21-33588600-C-CT. GRCh37 (hg19) VCF-style: chr21-34960906-C-CT.
Other names: short protein forms P15fs.
Identifiers: ClinVar variation 1451926 (VCV001451926.6), dbSNP rs1354181982, ClinGen allele CA637672979.